The following is an entry in ClinVar:

ClinVar aggregate classification (germline): Uncertain significance (1 of 4 stars; one submission).

Conditions:
Marfan syndrome (MFS). Also called: MARFAN SYNDROME, TYPE I; Marfan syndrome type 1; Marfan's syndrome; Marfan syndrome, classic; FBN1-Related Marfan Syndrome. Identifiers: Orphanet 284963, Orphanet 558, MedGen C0024796, MONDO:0007947, OMIM 154700.
Familial thoracic aortic aneurysm and aortic dissection (TAAD). Also called: Thoracic aortic aneurysms and dissections. Identifiers: Orphanet 91387, MedGen C4707243, MONDO:0019625.

Allele frequency attached by ClinVar (database versions not stated): gnomAD exomes below 0.00001.
gnomAD v4.1: 1 of 1,612,822 alleles (0.000062%); highest among the groups gnomAD compares: Non-Finnish European, 0.000085%; no homozygotes.

Submission:

Labcorp Genetics (formerly Invitae), Labcorp
Classification: Uncertain significance for Marfan syndrome; Familial thoracic aortic aneurysm and aortic dissection. Last evaluated: 2023-03-17. Review status: criteria provided, single submitter. Criteria: Invitae Variant Classification Sherloc (09022015). Collection method: clinical testing. Allele origin: germline.
Comment: In summary, the available evidence is currently insufficient to determine the role of this variant in disease. Therefore, it has been classified as a Variant of Uncertain Significance. Advanced modeling of protein sequence and biophysical properties (such as structural, functional, and spatial information, amino acid conservation, physicochemical variation, residue mobility, and thermodynamic stability) has been performed at Invitae for this missense variant, however the output from this modeling did not meet the statistical confidence thresholds required to predict the impact of this variant on FBN1 protein function. This variant has not been reported in the literature in individuals affected with FBN1-related conditions. This variant is present in population databases (no rsID available, gnomAD 0.0009%). This sequence change replaces serine, which is neutral and polar, with leucine, which is neutral and non-polar, at codon 901 of the FBN1 protein (p.Ser901Leu).

NM_000138.5(FBN1):c.2702C>T (p.Ser901Leu)

Gene: FBN1 (fibrillin 1; minus strand). Cytogenetic location: 15q21.1.
Variant type: single nucleotide variant.
Coding change: c.2702C>T on transcript NM_000138.5 (MANE Select); coding-DNA position 2702, C replaced by T.
Protein change: p.Ser901Leu; replaces serine 901 with leucine.
Molecular consequence: missense variant.
Genome position (GRCh38, 1-based): chr15:48,494,230, G>A on the plus strand (C>T on the coding strand, the complement: FBN1 is on the minus strand). VCF-style: chr15-48494230-G-A. GRCh37 (hg19) VCF-style: chr15-48786427-G-A.
Other names: c.2702C>T, p.Ser901Leu (NM_001406716.1); short protein forms S901L.
Identifiers: ClinVar variation 2945414 (VCV002945414.3), dbSNP rs1177995453, ClinGen allele CA392331673.